The following is an entry in ClinVar:

NM_004667.6(HERC2):c.9633G>A (p.Glu3211=)

Gene: HERC2 (HECT and RLD domain containing E3 ubiquitin protein ligase 2; minus strand). Cytogenetic location: 15q13.1.
Variant type: single nucleotide variant.
Coding change: c.9633G>A on transcript NM_004667.6 (MANE Select); coding-DNA position 9633, G replaced by A.
Protein change: p.Glu3211=; no amino-acid change (glutamic acid 3211 retained).
Molecular consequence: synonymous variant.
Genome position (GRCh38, 1-based): chr15:28,176,481, C>T on the plus strand (G>A on the coding strand, the complement: HERC2 is on the minus strand). VCF-style: chr15-28176481-C-T. GRCh37 (hg19) VCF-style: chr15-28421627-C-T.
Identifiers: ClinVar variation 2645054 (VCV002645054.25), dbSNP rs775376775, ClinGen allele CA7441116.

ClinVar aggregate classification (germline): Likely benign. Review status: criteria provided, multiple submitters, no conflicts (2 of 4 stars). 2 submissions from 2 submitters: Likely benign (2). Last evaluated 2024-11-01.

Allele frequency attached by ClinVar (database versions not stated): ExAC 0.00003; gnomAD 0.00005; TOPMed 0.00005.
gnomAD v4.1: 44 of 1,614,074 alleles (0.0027%); highest among the groups gnomAD compares: Middle Eastern, 0.033%; no homozygotes.

Submissions (2):

CeGaT Center for Human Genetics Tuebingen
Classification: Likely benign. Last evaluated: 2024-11-01. Review status: criteria provided, single submitter. Criteria: CeGaT Center For Human Genetics Tuebingen Variant Classification Criteria Version 2. Collection method: clinical testing. Allele origin: germline. Affected: yes. Observed: 2 variant alleles.
Comment: HERC2: BP4, BP7

Blueprint Genetics
Classification: Likely benign. Last evaluated: 2024-07-15. Review status: criteria provided, single submitter. Criteria: ACMG Guidelines, 2015. Collection method: clinical testing. Allele origin: germline.